The following is an entry in ClinVar:

NM_000022.4(ADA):c.479-23_479-2delinsTGGGACCAGCAT

Gene: ADA (adenosine deaminase; minus strand). Cytogenetic location: 20q13.12.
Variant type: Indel.
Coding change: c.479-23_479-2delinsTGGGACCAGCAT on transcript NM_000022.4 (MANE Select); 23 bases into the intron before coding-DNA position 479 through the canonical splice acceptor site of the intron before coding-DNA position 479, CTGGGTGGGCATCTCGCCCACA replaced by TGGGACCAGCAT.
Molecular consequence: splice acceptor variant.
Genome position (GRCh38, 1-based): chr20:44,624,331-44,624,352, TGTGGGCGAGATGCCCACCCAG replaced by ATGCTGGTCCCA on the plus strand (CTGGGTGGGCATCTCGCCCACA replaced by TGGGACCAGCAT on the coding strand, the reverse complement: ADA is on the minus strand). GRCh37 (hg19): chr20:43,252,972-43,252,993.
Other names: c.74-23_74-2delinsTGGGACCAGCAT (NM_001322050.2); c.479-23_479-2delinsTGGGACCAGCAT (NM_001322051.2).
Identifiers: ClinVar variation 2750759 (VCV002750759.3), dbSNP rs2516169701, ClinGen allele CA2697547393.

ClinVar aggregate classification (germline): Likely pathogenic (1 of 4 stars; one submission).

Conditions:
Severe combined immunodeficiency, autosomal recessive, T cell-negative, B cell-negative, NK cell-negative, due to adenosine deaminase deficiency. Also called: ADA deficiency; Adenosine deaminase deficient severe combined immunodeficiency; Severe combined immunodeficiency due to ADA deficiency; Adenosine Deaminase Deficiency; ADA-SCID; SCID DUE TO ADA DEFICIENCY. Identifiers: Orphanet 277, MedGen C0392607, MONDO:0007064, OMIM 102700.

Submission:

Labcorp Genetics (formerly Invitae), Labcorp
Classification: Likely pathogenic for Severe combined immunodeficiency, autosomal recessive, T cell-negative, B cell-negative, NK cell-negative, due to adenosine deaminase deficiency. Last evaluated: 2023-08-06. Review status: criteria provided, single submitter. Criteria: Invitae Variant Classification Sherloc (09022015). Collection method: clinical testing. Allele origin: germline.
Comment: In summary, the currently available evidence indicates that the variant is pathogenic, but additional data are needed to prove that conclusively. Therefore, this variant has been classified as Likely Pathogenic. This variant has not been reported in the literature in individuals affected with ADA-related conditions. This variant is not present in population databases (gnomAD no frequency). This sequence change affects a splice site in intron 5 of the ADA gene. It is expected to disrupt RNA splicing. Variants that disrupt the donor or acceptor splice site typically lead to a loss of protein function (PMID: 16199547), and loss-of-function variants in ADA are known to be pathogenic (PMID: 26255240, 26376800).

Literature cited by the submitters: PubMed 16199547; PubMed 26255240; PubMed 26376800.